The following is an entry in ClinVar:

NM_001267550.2(TTN):c.97405G>A (p.Glu32469Lys)

Genes: TTN (titin; minus strand), TTN-AS1 (TTN antisense RNA 1; plus strand). Cytogenetic location: 2q31.2.
Variant type: single nucleotide variant.
Coding change: c.97405G>A on transcript NM_001267550.2 (MANE Select); coding-DNA position 97405, G replaced by A.
Protein change: p.Glu32469Lys; replaces glutamic acid 32469 with lysine.
Molecular consequence: missense variant. On other transcripts: non-coding transcript variant (1).
Genome position (GRCh38, 1-based): chr2:178,542,351, C>T on the plus strand (G>A on the coding strand, the complement: TTN is on the minus strand). VCF-style: chr2-178542351-C-T. GRCh37 (hg19) VCF-style: chr2-179407078-C-T.
Other names: c.92482G>A, p.Glu30828Lys (NM_001256850.1); c.70210G>A, p.Glu23404Lys (NM_003319.4); c.89701G>A, p.Glu29901Lys (NM_133378.4); c.70585G>A, p.Glu23529Lys (NM_133432.3); c.70786G>A, p.Glu23596Lys (NM_133437.4); short protein forms E29901K, E30828K, E32469K, E23404K, E23529K, E23596K.
Identifiers: ClinVar variation 656173 (VCV000656173.7), dbSNP rs1280768790, ClinGen allele CA349439775.
Genomic context (GRCh38, chr2:178,542,351, plus strand): 5'-CAGACTGCAAGTAAGAGCCAATCCCGAAGCGGTTTGTTGCAGCCACACGGAACACATACT[C>T]ATTTCCTTCGGTGAGTCTGGTAAACTTAAACGTGGACCTAGTCACTGATTCAGAAACGGG-3'
Protein context (NP_001254479.2, residues 32459-32479): FKFTRLTEGN[Glu32469Lys]YVFRVAATNR

ClinVar aggregate classification (germline): Uncertain significance (1 of 4 stars; one submission).

Conditions:
Dilated cardiomyopathy 1G (CMD1G). Identifiers: Orphanet 154, MedGen C1858763, MONDO:0011400, OMIM 604145.
Autosomal recessive limb-girdle muscular dystrophy type 2J (LGMDR10). Also called: Limb-girdle muscular dystrophy, type 2J; MUSCULAR DYSTROPHY, LIMB-GIRDLE, AUTOSOMAL RECESSIVE 10. Identifiers: Orphanet 140922, MedGen C1837342, MONDO:0012127, OMIM 608807.

Allele frequency attached by ClinVar (database versions not stated): gnomAD exomes below 0.00001; gnomAD 0.00001; TOPMed below 0.00001.
gnomAD v4.1: 6 of 1,613,360 alleles (0.00037%); highest among the groups gnomAD compares: African/African-American, 0.0027%; no homozygotes.

Submission:

Labcorp Genetics (formerly Invitae), Labcorp
Classification: Uncertain significance for Dilated cardiomyopathy 1G; Autosomal recessive limb-girdle muscular dystrophy type 2J. Last evaluated: 2023-07-10. Review status: criteria provided, single submitter. Criteria: Invitae Variant Classification Sherloc (09022015). Collection method: clinical testing. Allele origin: germline.
Comment: In summary, the available evidence is currently insufficient to determine the role of this variant in disease. Therefore, it has been classified as a Variant of Uncertain Significance. This variant is located in the A band of TTN (PMID: 25589632). Variants in this region may be relevant for cardiac or neuromuscular disorders (PMID: 25589632, 23975875). Experimental studies and prediction algorithms are not available or were not evaluated, and the functional significance of this variant is currently unknown. ClinVar contains an entry for this variant (Variation ID: 656173). This variant has not been reported in the literature in individuals affected with TTN-related conditions. This variant is present in population databases (no rsID available, gnomAD no frequency). This sequence change replaces glutamic acid, which is acidic and polar, with lysine, which is basic and polar, at codon 32469 of the TTN protein (p.Glu32469Lys).

Literature cited by the submitters: PubMed 25589632; PubMed 23975875.